The following is an entry in ClinVar:

ClinVar aggregate classification (germline): Conflicting classifications of pathogenicity. Review status: criteria provided, conflicting classifications (1 of 4 stars). 5 submissions from 5 submitters: Uncertain significance (1); Likely benign (3). 1 of the submissions does not count toward it. Last evaluated 2025-08-11.

Conditions:
DYNC1H1-related disorder. Also called: DYNC1H1-related condition; DYNC1H1-related disorders. Identifiers: MedGen CN381529.
Inborn genetic diseases. Identifiers: MedGen C0950123, MeSH D030342.
Charcot-Marie-Tooth disease axonal type 2O. Also called: Charcot-Marie-Tooth disease, axonal, type 20; CHARCOT-MARIE-TOOTH NEUROPATHY, AXONAL, TYPE 2O; CHARCOT-MARIE-TOOTH DISEASE, AXONAL, AUTOSOMAL DOMINANT, TYPE 2O; Charcot-Marie-Tooth Neuropathy Type 2O. Identifiers: Orphanet 284232, MedGen C3280220, MONDO:0013644, OMIM 614228.
Cortical dysplasia, complex, with other brain malformations 13. Also called: Intellectual disability, autosomal dominant 13. Identifiers: MedGen C3281202, MONDO:0013805, OMIM 614563.
Autosomal dominant childhood-onset proximal spinal muscular atrophy without contractures. Also called: KUGELBERG-WELANDER SYNDROME, AUTOSOMAL DOMINANT; SPINAL MUSCULAR ATROPHY, JUVENILE, PROXIMAL, AUTOSOMAL DOMINANT; Spinal muscular atrophy, lower extremity-predominant 1, AD; SPINAL MUSCULAR ATROPHY, CHILDHOOD, PROXIMAL, AUTOSOMAL DOMINANT. Identifiers: Orphanet 209341, Orphanet 363447, MedGen C5780022, MONDO:0008026, OMIM 158600.

Allele frequency attached by ClinVar (database versions not stated): gnomAD 0.00001; TOPMed 0.00002; gnomAD exomes 0.00005; ExAC 0.00007.
gnomAD v4.1: 51 of 1,614,084 alleles (0.0032%); highest among the groups gnomAD compares: Non-Finnish European, 0.0025%; no homozygotes.

Submissions (5):

Labcorp Genetics (formerly Invitae), Labcorp
Classification: Likely benign for Charcot-Marie-Tooth disease axonal type 2O. Last evaluated: 2025-08-11. Review status: criteria provided, single submitter. Criteria: Invitae Variant Classification Sherloc (09022015). Collection method: clinical testing. Allele origin: germline.

Ambry Genetics
Classification: Likely benign for Inborn genetic diseases. Last evaluated: 2022-04-20. Review status: criteria provided, single submitter. Criteria: Ambry Variant Classification Scheme 2023. Collection method: clinical testing. Allele origin: germline.

GeneDx
Classification: Likely benign. Last evaluated: 2019-05-07. Review status: criteria provided, single submitter. Criteria: GeneDx Variant Classification Process June 2021. Collection method: clinical testing. Allele origin: germline. Affected: yes.

Center for Genomics, Ann and Robert H. Lurie Children's Hospital of Chicago
Classification: Uncertain significance for Charcot-Marie-Tooth disease axonal type 2O; Autosomal dominant childhood-onset proximal spinal muscular atrophy without contractures; Cortical dysplasia, complex, with other brain malformations 13. Review status: criteria provided, single submitter. Criteria: ACMG Guidelines, 2015. Collection method: clinical testing. Allele origin: germline.
Comment: This variant has not been reported in the literature but is present in 0.07% (8/10370) of Ashkenazi Jewish alleles in the Genome Aggregation Database (102467986 G A?dataset=gnomad_r2_1). This variant is present in ClinVar (Variation ID:246361). Evolutionary conservation suggests that this variant may impact the protein; computational predictive tools suggest that this variant may not impact the protein. In summary, data on this variant is insufficient for disease classification. Therefore, the clinical significance of this variant is uncertain

PreventionGenetics, part of Exact Sciences
Classification: Likely benign for DYNC1H1-related condition. Last evaluated: 2022-12-05. Review status: no assertion criteria provided. Collection method: clinical testing. Allele origin: germline. Not counted in ClinVar's aggregate classification.
Comment: This variant is classified as likely benign based on ACMG/AMP sequence variant interpretation guidelines (Richards et al. 2015 PMID: 25741868, with internal and published modifications).

NM_001376.5(DYNC1H1):c.4510G>A (p.Val1504Ile)

Gene: DYNC1H1 (dynein cytoplasmic 1 heavy chain 1; plus strand). Cytogenetic location: 14q32.31.
Variant type: single nucleotide variant.
Coding change: c.4510G>A on transcript NM_001376.5 (MANE Select); coding-DNA position 4510, G replaced by A.
Protein change: p.Val1504Ile; replaces valine 1504 with isoleucine.
Molecular consequence: missense variant.
Genome position (GRCh38, 1-based): chr14:102,001,649, G>A. VCF-style: chr14-102001649-G-A. GRCh37 (hg19) VCF-style: chr14-102467986-G-A.
Other names: short protein forms V1504I.
Identifiers: ClinVar variation 246361 (VCV000246361.19), dbSNP rs761695197, ClinGen allele CA7352246.
Genomic context (GRCh38, chr14:102,001,649, plus strand): 5'-TGCCGCTTGATCCGTGGCTGGGATGACCTCTTCAACAAGGTCAAAGAACACATCAACAGC[G>A]TCTCGGCCATGAAGCTCTCTCCGTATTACAAGGTGCTGTTGCTGGGGAAGCTTTCCCTCC-3'
Protein context (NP_001367.2, residues 1494-1514): FNKVKEHINS[Val1504Ile]SAMKLSPYYK